The following is an entry in ClinVar:

NM_005097.4(LGI1):c.1306A>G (p.Lys436Glu)

Gene: LGI1 (leucine rich glioma inactivated 1; plus strand). Cytogenetic location: 10q23.33.
Variant type: single nucleotide variant.
Coding change: c.1306A>G on transcript NM_005097.4 (MANE Select); coding-DNA position 1306, A replaced by G.
Protein change: p.Lys436Glu; replaces lysine 436 with glutamic acid.
Molecular consequence: missense variant. On other transcripts: non-coding transcript variant (1), intron variant (1).
Genome position (GRCh38, 1-based): chr10:93,797,435, A>G. VCF-style: chr10-93797435-A-G. GRCh37 (hg19) VCF-style: chr10-95557192-A-G.
Other names: c.1162A>G, p.Lys388Glu (NM_001308276.2); c.839-314A>G (NM_001308275.2); short protein forms K388E, K436E.
Identifiers: ClinVar variation 1377528 (VCV001377528.6), dbSNP rs2134026771, ClinGen allele CA377629063.
Genomic context (GRCh38, chr10:93,797,435, plus strand): 5'-GCAACACAATTATTCACTAACCAAACTGACATTCCTAACATGGAGGATGTGTACGCAGTG[A>G]AGCACTTCTCAGTGAAAGGGGACGTGTACATTTGCTTGACAAGATTCATTGGTGATTCCA-3'
Protein context (NP_005088.1, residues 426-446): IPNMEDVYAV[Lys436Glu]HFSVKGDVYI

ClinVar aggregate classification (germline): Uncertain significance (1 of 4 stars; one submission).

Conditions:
Autosomal dominant epilepsy with auditory features. Identifiers: Orphanet 101046, MedGen C1838062, MONDO:0010898.

Submission:

Labcorp Genetics (formerly Invitae), Labcorp
Classification: Uncertain significance for Autosomal dominant epilepsy with auditory features. Last evaluated: 2023-11-27. Review status: criteria provided, single submitter. Criteria: Invitae Variant Classification Sherloc (09022015). Collection method: clinical testing. Allele origin: germline.
Comment: This sequence change replaces lysine, which is basic and polar, with glutamic acid, which is acidic and polar, at codon 436 of the LGI1 protein (p.Lys436Glu). This variant is not present in population databases (gnomAD no frequency). This variant has not been reported in the literature in individuals affected with LGI1-related conditions. ClinVar contains an entry for this variant (Variation ID: 1377528). Advanced modeling of protein sequence and biophysical properties (such as structural, functional, and spatial information, amino acid conservation, physicochemical variation, residue mobility, and thermodynamic stability) performed at Invitae indicates that this missense variant is not expected to disrupt LGI1 protein function with a negative predictive value of 80%. In summary, the available evidence is currently insufficient to determine the role of this variant in disease. Therefore, it has been classified as a Variant of Uncertain Significance.